The following is an entry in ClinVar:

NM_000054.7(AVPR2):c.135_136del (p.Ile46fs)

Gene: AVPR2 (arginine vasopressin receptor 2; plus strand). Cytogenetic location: Xq28.
Variant type: Deletion.
Coding change: c.135_136del on transcript NM_000054.7 (MANE Select); coding-DNA positions 135 to 136, 2 bases deleted (CA; older notation c.135_136delCA).
Protein change: p.Ile46fs; shifts the reading frame from isoleucine 46.
Molecular consequence: frameshift variant.
Genome position (GRCh38, 1-based): chrX:153,905,641-153,905,642, CA deleted. VCF-style (leftmost placement, unchanged base first): chrX-153905640-CCA-C. GRCh37 (hg19) VCF-style: chrX-153171094-CCA-C.
Other names: c.135_136del, p.Ile46fs (NM_001146151.3); short protein forms I46fs.
Identifiers: ClinVar variation 3382215 (VCV003382215.3).
Genomic context (GRCh38, chrX:153,905,640, plus strand): 5'-AGGAGAGGCCACTGGACACCCGGGACCCGCTGCTAGCCCGGGCGGAGCTGGCGCTGCTCT[CCA>C]TAGTCTTTGTGGCTGTGGCCCTGAGCAATGGCCTGGTGCTGGCGGCCCTAGCTCGGCGGG-3'

ClinVar aggregate classification (germline): Pathogenic. Review status: criteria provided, multiple submitters, no conflicts (2 of 4 stars). 2 submissions from 2 submitters: Pathogenic (2). Last evaluated 2025-08-20.

Conditions:
Diabetes insipidus, nephrogenic, X-linked. Also called: Nephrogenic Diabetes Insipidus, Type I. Identifiers: Orphanet 223, MedGen C1563705, MONDO:0010581, OMIM 304800.
Nephrogenic syndrome of inappropriate antidiuresis (NSIAD). Identifiers: Orphanet 93606, MedGen C1845202, MONDO:0010356, OMIM 300539.

Submissions (2):

Pediatrics, West China Second University Hospital, Sichuan University
Classification: Pathogenic for Diabetes insipidus, nephrogenic, X-linked. Last evaluated: 2025-08-20. Review status: criteria provided, single submitter. Criteria: ACMG Guidelines, 2015. Collection method: clinical testing. Allele origin: germline. Affected: yes.
Comment: The NM_000054.7, c.135_136del, is a two nucleotide deletion at position from 135 to 136 in AVPR2 which is predicted to result in a frameshift mutation and finally result in a disrupted protein product at position 145 of the AVPR2 protein (PVS1). This variant was found in a proband with diabetes insipidus, nephrogenic, which is a highly specific phenotype for nephrogenic diabetes insipidus (PP4). The variant is absent from the gnomAD population database (PM2_Supporting). In summary, this variant meets criteria to be classified as pathogenic for diabetes insipidus, nephrogenic based on the ACMG/AMP criteria applied with the evidence: PVS1, PM2_Supporting, PP4.

Juno Genomics, Hangzhou Juno Genomics, Inc
Classification: Pathogenic for Diabetes insipidus, nephrogenic, X-linked; Nephrogenic syndrome of inappropriate antidiuresis. Review status: criteria provided, single submitter. Criteria: ACMG Guidelines, 2015. Collection method: clinical testing. Allele origin: germline. Affected: yes.
Comment: Absent from controls (or at extremely low frequency if recessive) in Genome Aggregation Database, Exome Sequencing Project, 1000 Genomes Project, or Exome Aggregation Consortium.;Null variant in a gene where loss of function (LOF) is a known mechanism of disease.;Patient's phenotype or family history is highly specific for a disease with a single genetic etiology.